The following is an entry in ClinVar:

ClinVar aggregate classification (germline): Uncertain significance (1 of 4 stars; one submission).

Conditions:
Combined immunodeficiency due to LRBA deficiency. Also called: Common variable immunodeficiency 8, with autoimmunity. Identifiers: Orphanet 445018, MedGen C3553512, MONDO:0013863, OMIM 614700.

Allele frequency attached by ClinVar (database versions not stated): ExAC 0.00002; gnomAD exomes 0.00002; gnomAD 0.00003 and 0.00004; TOPMed 0.00004.
gnomAD v4.1: 9 of 1,611,286 alleles (0.00056%); highest among the groups gnomAD compares: African/African-American, 0.012%; no homozygotes.

Submission:

Labcorp Genetics (formerly Invitae), Labcorp
Classification: Uncertain significance for Combined immunodeficiency due to LRBA deficiency. Last evaluated: 2021-06-28. Review status: criteria provided, single submitter. Criteria: Invitae Variant Classification Sherloc (09022015). Collection method: clinical testing. Allele origin: germline.
Comment: In summary, the available evidence is currently insufficient to determine the role of this variant in disease. Therefore, it has been classified as a Variant of Uncertain Significance. Algorithms developed to predict the effect of missense changes on protein structure and function are either unavailable or do not agree on the potential impact of this missense change (SIFT: "Tolerated"; PolyPhen-2: "Probably Damaging"; Align-GVGD: "Class C0"). This variant has not been reported in the literature in individuals with LRBA-related conditions. This variant is present in population databases (rs767734502, ExAC 0.02%). This sequence change replaces arginine with lysine at codon 1501 of the LRBA protein (p.Arg1501Lys). The arginine residue is weakly conserved and there is a small physicochemical difference between arginine and lysine.

NM_001364905.1(LRBA):c.4502G>A (p.Arg1501Lys)

Gene: LRBA (LPS responsive beige-like anchor protein; minus strand). Cytogenetic location: 4q31.3.
Variant type: single nucleotide variant.
Coding change: c.4502G>A on transcript NM_001364905.1 (MANE Select); coding-DNA position 4502, G replaced by A.
Protein change: p.Arg1501Lys; replaces arginine 1501 with lysine.
Molecular consequence: missense variant.
Genome position (GRCh38, 1-based): chr4:150,844,167, C>T on the plus strand (G>A on the coding strand, the complement: LRBA is on the minus strand). VCF-style: chr4-150844167-C-T. GRCh37 (hg19) VCF-style: chr4-151765319-C-T.
Other names: c.4502G>A, p.Arg1501Lys (NM_001199282.3, NM_001367550.1, NM_006726.5); short protein forms R1501K.
Identifiers: ClinVar variation 1370946 (VCV001370946.6), dbSNP rs767734502, ClinGen allele CA3102737.